The following is an entry in ClinVar:

ClinVar aggregate classification (germline): Benign. Review status: criteria provided, multiple submitters, no conflicts (2 of 4 stars). 3 submissions from 3 submitters: Benign (2). 1 of the submissions does not count toward it. Last evaluated 2026-01-26.

Conditions:
ROBO1-related disorder. Also called: ROBO1-related condition.

Allele frequency attached by ClinVar (database versions not stated): 1000 Genomes Project 0.00579; 1000 Genomes Project 30x 0.00703; gnomAD 0.01098 and 0.01113; TOPMed 0.01135; ESP Exome Variant Server 0.01189; gnomAD exomes 0.01288 and 0.01522; ExAC 0.01908.
gnomAD v4.1: 23,816 of 1,604,228 alleles (1.5%); highest among the groups gnomAD compares: Middle Eastern, 2%; 204 homozygotes.

Submissions (3):

Labcorp Genetics (formerly Invitae), Labcorp
Classification: Benign. Last evaluated: 2026-01-26. Review status: criteria provided, single submitter. Criteria: Invitae Variant Classification Sherloc (09022015). Collection method: clinical testing. Allele origin: germline.

Breakthrough Genomics
Classification: Benign. Review status: criteria provided, single submitter. Criteria: ACMG Guidelines, 2015. Collection method: not provided. Allele origin: germline. Inheritance: Unknown mechanism. Affected: yes.

PreventionGenetics, part of Exact Sciences
Classification: Benign for ROBO1-related condition. Last evaluated: 2019-09-10. Review status: no assertion criteria provided. Collection method: clinical testing. Allele origin: germline. Not counted in ClinVar's aggregate classification.
Comment: This variant is classified as benign based on ACMG/AMP sequence variant interpretation guidelines (Richards et al. 2015 PMID: 25741868, with internal and published modifications).

NM_002941.4(ROBO1):c.1206C>T (p.Ser402=)

Gene: ROBO1 (roundabout guidance receptor 1; minus strand). Cytogenetic location: 3p12.3.
Variant type: single nucleotide variant.
Coding change: c.1206C>T on transcript NM_002941.4 (MANE Select); coding-DNA position 1206, C replaced by T.
Protein change: p.Ser402=; no amino-acid change (serine 402 retained).
Molecular consequence: synonymous variant.
Genome position (GRCh38, 1-based): chr3:78,685,882, G>A on the plus strand (C>T on the coding strand, the complement: ROBO1 is on the minus strand). VCF-style: chr3-78685882-G-A. GRCh37 (hg19) VCF-style: chr3-78735032-G-A.
Other names: c.1206C>T (NM_002941.3); c.1098C>T, p.Ser366= (NM_001145845.2, NM_133631.4).
Identifiers: ClinVar variation 1567266 (VCV001567266.11), dbSNP rs35506479, ClinGen allele CA2499014.